The following is an entry in ClinVar:

ClinVar aggregate classification (germline): Uncertain significance (1 of 4 stars; one submission).

Submission:

Dasa
Classification: Uncertain significance. Last evaluated: 2025-12-31. Review status: criteria provided, single submitter. Criteria: DASA Assertion Criteria. Collection method: clinical testing. Allele origin: germline.
Comment: NM_014391.3(ANKRD1):c.453+9C>T is a splice-region variant. This variant is rare in population databases. Computational prediction algorithms are consistent with a benign effect. The currently available literature and clinical evidence are not sufficient to establish a definitive association between this variant and the reported condition. Therefore, this variant is classified as a variant of uncertain significance.

NM_014391.3(ANKRD1):c.453+9C>T

Gene: ANKRD1 (ankyrin repeat domain 1; minus strand). Cytogenetic location: 10q23.31.
Variant type: single nucleotide variant.
Coding change: c.453+9C>T on transcript NM_014391.3 (MANE Select); 9 bases into the intron after coding-DNA position 453, C replaced by T.
Molecular consequence: intron variant.
Genome position (GRCh38, 1-based): chr10:90,918,856, G>A on the plus strand (C>T on the coding strand, the complement: ANKRD1 is on the minus strand). VCF-style: chr10-90918856-G-A. GRCh37 (hg19) VCF-style: chr10-92678613-G-A.
Identifiers: ClinVar variation 4882544 (VCV004882544.2).